The following is an entry in ClinVar:

ClinVar aggregate classification (germline): Uncertain significance (1 of 4 stars; one submission).

Conditions:
RASopathy. Also called: Noonan spectrum disorder; rasopathies. Identifiers: Orphanet 536391, MedGen C5555857, MONDO:0021060.

gnomAD v4.1: 1 of 1,548,446 alleles (0.000065%); highest among the groups gnomAD compares: Non-Finnish European, 0.000089%; no homozygotes.

Submission:

Labcorp Genetics (formerly Invitae), Labcorp
Classification: Uncertain significance for RASopathy. Last evaluated: 2024-09-15. Review status: criteria provided, single submitter. Criteria: Invitae Variant Classification Sherloc (09022015). Collection method: clinical testing. Allele origin: germline.
Comment: This sequence change falls in intron 12 of the SOS1 gene. It does not directly change the encoded amino acid sequence of the SOS1 protein. It affects a nucleotide within the consensus splice site. This variant is not present in population databases (gnomAD no frequency). This variant has not been reported in the literature in individuals affected with SOS1-related conditions. Variants that disrupt the consensus splice site are a relatively common cause of aberrant splicing (PMID: 17576681, 9536098). Algorithms developed to predict the effect of sequence changes on RNA splicing suggest that this variant is not likely to affect RNA splicing. In summary, the available evidence is currently insufficient to determine the role of this variant in disease. Therefore, it has been classified as a Variant of Uncertain Significance.

Literature cited by the submitters: PubMed 17576681; PubMed 9536098.

NM_005633.4(SOS1):c.2064-3T>C

Gene: SOS1 (SOS Ras/Rac guanine nucleotide exchange factor 1; minus strand). Cytogenetic location: 2p22.1.
Variant type: single nucleotide variant.
Coding change: c.2064-3T>C on transcript NM_005633.4 (MANE Select); 3 bases into the intron before coding-DNA position 2064, T replaced by C.
Molecular consequence: intron variant.
Genome position (GRCh38, 1-based): chr2:39,013,566, A>G on the plus strand (T>C on the coding strand, the complement: SOS1 is on the minus strand). VCF-style: chr2-39013566-A-G. GRCh37 (hg19) VCF-style: chr2-39240707-A-G.
Other names: c.2043-3T>C (NM_001382394.1); c.2064-3T>C (NM_001382395.1).
Identifiers: ClinVar variation 3628801 (VCV003628801.2).